The following is an entry in ClinVar:

NM_000193.4(SHH):c.302G>T (p.Arg101Met)

Gene: SHH (sonic hedgehog signaling molecule; minus strand). Cytogenetic location: 7q36.3.
Variant type: single nucleotide variant.
Coding change: c.302G>T on transcript NM_000193.4 (MANE Select); coding-DNA position 302, G replaced by T.
Protein change: p.Arg101Met; replaces arginine 101 with methionine.
Molecular consequence: missense variant. On other transcripts: non-coding transcript variant (2).
Genome position (GRCh38, 1-based): chr7:155,806,556, C>A on the plus strand (G>T on the coding strand, the complement: SHH is on the minus strand). VCF-style: chr7-155806556-C-A. GRCh37 (hg19) VCF-style: chr7-155599250-C-A.
Other names: c.41G>T, p.Arg14Met (NM_001310462.2); short protein forms R101M, R14M.
Identifiers: ClinVar variation 4814102 (VCV004814102.1).

ClinVar aggregate classification (germline): Uncertain significance (1 of 4 stars; one submission).

Conditions:
Holoprosencephaly 3 (HPE3). Identifiers: Orphanet 2162, MedGen C1840529, MONDO:0007733, OMIM 142945.

Submission:

OLLIN Analises Genomicas, OLLIN
Classification: Uncertain significance for Holoprosencephaly 3. Last evaluated: 2026-02-13. Review status: criteria provided, single submitter. Criteria: ACMG Guidelines 2015 PMID 25741868. Collection method: clinical testing. Allele origin: germline. Observed: 1 variant allele.
Comment: PM1, PM2_P, PP3_M